The following is an entry in ClinVar:

ClinVar aggregate classification (germline): Conflicting classifications of pathogenicity. Review status: criteria provided, conflicting classifications (1 of 4 stars). 2 submissions from 2 submitters: Uncertain significance (1); Likely benign (1). Last evaluated 2025-06-10.

Conditions:
MYO6-related disorder. Also called: MYO6-related condition; MYO6-related disorders.

Allele frequency attached by ClinVar (database versions not stated): TOPMed 0.00002; 1000 Genomes Project 30x 0.00016; 1000 Genomes Project 0.00020.
gnomAD v4.1: 21 of 1,613,898 alleles (0.0013%); highest among the groups gnomAD compares: Middle Eastern, 0.034%; no homozygotes.

Submissions (2):

PreventionGenetics, part of Exact Sciences
Classification: Uncertain significance for MYO6-related condition. Last evaluated: 2025-06-10. Review status: criteria provided, single submitter. Criteria: ACMG Guidelines, 2015. Collection method: clinical testing. Allele origin: germline.
Comment: The MYO6 c.2972G>A variant is predicted to result in the amino acid substitution p.Arg991Gln. To our knowledge, this variant has not been reported in the literature. This variant has been reported in 1 heterozygous individual within the ‘other’ subpopulation in gnomAD. At this time, the clinical significance of this variant is uncertain due to the absence of conclusive functional and genetic evidence.

Laboratory for Molecular Medicine, Mass General Brigham Personalized Medicine
Classification: Likely benign. Last evaluated: 2014-05-29. Review status: criteria provided, single submitter. Criteria: LMM Criteria. Collection method: clinical testing. Allele origin: germline. Observed: 1 variant allele.
Comment: Arg991Gln in exon 28 of MYO6: This variant is not expected to have clinical sign ificance due to a lack of conservation across species, including mammals. Of not e, three mammals (Brush-tailed rat, horse, and cape golden mole) have a Gln (Glu tamine) at this position. In addition, computational prediction tools suggest th is variant may not impact the protein.

NM_004999.4(MYO6):c.2972G>A (p.Arg991Gln)

Gene: MYO6 (myosin VI; plus strand). Cytogenetic location: 6q14.1.
Variant type: single nucleotide variant.
Coding change: c.2972G>A on transcript NM_004999.4 (MANE Select); coding-DNA position 2972, G replaced by A.
Protein change: p.Arg991Gln; replaces arginine 991 with glutamine.
Molecular consequence: missense variant. On other transcripts: non-coding transcript variant (1).
Genome position (GRCh38, 1-based): chr6:75,892,555, G>A. VCF-style: chr6-75892555-G-A. GRCh37 (hg19) VCF-style: chr6-76602272-G-A.
Other names: c.2972G>A, p.Arg991Gln (NM_001300899.2, NM_001368136.1, NM_001368137.1 and 2 more transcripts); c.2957G>A, p.Arg986Gln (NM_001368138.1); short protein forms R991Q, R986Q.
Identifiers: ClinVar variation 179747 (VCV000179747.5), dbSNP rs529167250, ClinGen allele CA185058.